The following is an entry in ClinVar:

NM_000092.5(COL4A4):c.263C>T (p.Ser88Leu)

Gene: COL4A4 (collagen type IV alpha 4 chain; minus strand). Cytogenetic location: 2q36.3.
Variant type: single nucleotide variant.
Coding change: c.263C>T on transcript NM_000092.5 (MANE Select); coding-DNA position 263, C replaced by T.
Protein change: p.Ser88Leu; replaces serine 88 with leucine.
Molecular consequence: missense variant.
Genome position (GRCh38, 1-based): chr2:227,121,078, G>A on the plus strand (C>T on the coding strand, the complement: COL4A4 is on the minus strand). VCF-style: chr2-227121078-G-A. GRCh37 (hg19) VCF-style: chr2-227985794-G-A.
Other names: short protein forms S88L.
Identifiers: ClinVar variation 2417855 (VCV002417855.4), dbSNP rs1236298157, ClinGen allele CA350863346.

ClinVar aggregate classification (germline): Uncertain significance. Review status: criteria provided, multiple submitters, no conflicts (2 of 4 stars). 2 submissions from 2 submitters: Uncertain significance (2). Last evaluated 2026-04-06.

Allele frequency attached by ClinVar (database versions not stated): gnomAD exomes below 0.00001; TOPMed 0.00001.
gnomAD v4.1: 5 of 1,614,156 alleles (0.00031%); highest among the groups gnomAD compares: Admixed American, 0.005%; no homozygotes.

Submissions (2):

GeneDx
Classification: Uncertain significance. Last evaluated: 2026-04-06. Review status: criteria provided, single submitter. Criteria: GeneDx Variant Classification Process June 2021. Collection method: clinical testing. Allele origin: germline.
Comment: Not observed at significant frequency in large population cohorts (gnomAD); In silico analysis suggests that this missense variant does not alter protein structure/function; Occurs in the triple helical domain at the Y position in the canonical Gly-X-Y repeat; although this variant may have an effect on normal protein folding and function, missense substitution at the Y position is not a common mechanism of disease; Has not been previously published as pathogenic or benign to our knowledge

Labcorp Genetics (formerly Invitae), Labcorp
Classification: Uncertain significance. Last evaluated: 2022-07-09. Review status: criteria provided, single submitter. Criteria: Invitae Variant Classification Sherloc (09022015). Collection method: clinical testing. Allele origin: germline.
Comment: This sequence change replaces serine, which is neutral and polar, with leucine, which is neutral and non-polar, at codon 88 of the COL4A4 protein (p.Ser88Leu). This variant is not present in population databases (gnomAD no frequency). This missense change has been observed in individual(s) with Alport syndrome (Invitae). Advanced modeling of protein sequence and biophysical properties (such as structural, functional, and spatial information, amino acid conservation, physicochemical variation, residue mobility, and thermodynamic stability) performed at Invitae indicates that this missense variant is not expected to disrupt COL4A4 protein function. In summary, the available evidence is currently insufficient to determine the role of this variant in disease. Therefore, it has been classified as a Variant of Uncertain Significance.